The following is an entry in ClinVar:

ClinVar aggregate classification (germline): Pathogenic/Likely pathogenic. Review status: criteria provided, multiple submitters, no conflicts (2 of 4 stars). 4 submissions from 4 submitters: Pathogenic (1); Likely pathogenic (3). Last evaluated 2024-06-21.

Conditions:
Maple syrup urine disease (MSUD). Identifiers: Orphanet 511, MedGen C0024776, MeSH D008375, MONDO:0009563. Disease mechanism: loss of function.
Maple syrup urine disease type 1A (MSUD1A). Also called: MSUD type 1A. Identifiers: MedGen C1855369, MONDO:0023691, OMIM 248600.

Allele frequency attached by ClinVar (database versions not stated): ExAC 0.00001.

Submissions (4):

Natera, Inc.
Classification: Likely pathogenic for Maple syrup urine disease type 1A. Last evaluated: 2024-06-21. Review status: criteria provided, single submitter. Criteria: Natera Variant Classification Schema (03/2026). Collection method: clinical testing. Allele origin: germline.
Comment: The c.507C>G variant in BCKDHA is a nonsense variant predicted to introduce a stop codon at amino acid 169. This variant is expected to result in nonsense mediated decay, truncation, or a dysfunctional protein product. This variant is rare in the general population with a frequency below the threshold expected for the associated phenotype(s). Given the available evidence, this variant is classified as Likely Pathogenic.

Fulgent Genetics
Classification: Likely pathogenic for Maple syrup urine disease type 1A. Last evaluated: 2024-05-01. Review status: criteria provided, single submitter. Criteria: ACMG Guidelines, 2015. Collection method: clinical testing. Allele origin: germline.

Baylor Genetics
Classification: Likely pathogenic for Maple syrup urine disease type 1A. Last evaluated: 2023-05-29. Review status: criteria provided, single submitter. Criteria: ACMG Guidelines, 2015. Collection method: clinical testing. Allele origin: unknown.

Labcorp Genetics (formerly Invitae), Labcorp
Classification: Pathogenic for Maple syrup urine disease. Last evaluated: 2022-09-14. Review status: criteria provided, single submitter. Criteria: Invitae Variant Classification Sherloc (09022015). Collection method: clinical testing. Allele origin: germline.
Comment: This sequence change creates a premature translational stop signal (p.Tyr169*) in the BCKDHA gene. It is expected to result in an absent or disrupted protein product. Loss-of-function variants in BCKDHA are known to be pathogenic (PMID: 16786533, 22593002). This variant is present in population databases (rs754613642, gnomAD 0.0009%). This variant has not been reported in the literature in individuals affected with BCKDHA-related conditions. For these reasons, this variant has been classified as Pathogenic.

Literature cited by the submitters: PubMed 16786533 (cited by Labcorp Genetics (formerly Invitae), Labcorp); PubMed 22593002 (cited by Labcorp Genetics (formerly Invitae), Labcorp).

NM_000709.4(BCKDHA):c.507C>G (p.Tyr169Ter)

Gene: BCKDHA (branched chain keto acid dehydrogenase E1 subunit alpha; plus strand). Cytogenetic location: 19q13.2.
Variant type: single nucleotide variant.
Coding change: c.507C>G on transcript NM_000709.4 (MANE Select); coding-DNA position 507, C replaced by G.
Protein change: p.Tyr169Ter; replaces tyrosine 169 with a stop codon.
Molecular consequence: nonsense.
Genome position (GRCh38, 1-based): chr19:41,419,157, C>G. VCF-style: chr19-41419157-C-G. GRCh37 (hg19) VCF-style: chr19-41925062-C-G.
Other names: c.507C>G (NM_000709.3); c.507C>G, p.Tyr169Ter (NM_001164783.2); short protein forms Y169*.
Identifiers: ClinVar variation 1973712 (VCV001973712.8), dbSNP rs754613642, ClinGen allele CA9461190.